The following is an entry in ClinVar:

NM_002658.6(PLAU):c.17C>A (p.Ala6Glu)

Genes: C10orf55 (chromosome 10 putative open reading frame 55; minus strand), PLAU (plasminogen activator, urokinase; plus strand), LOC130004104 (ATAC-STARR-seq lymphoblastoid silent region 2495; plus strand). Cytogenetic location: 10q22.2.
Variant type: single nucleotide variant.
Coding change: c.17C>A on transcript NM_002658.6 (MANE Select); coding-DNA position 17, C replaced by A.
Protein change: p.Ala6Glu; replaces alanine 6 with glutamic acid.
Molecular consequence: missense variant. On other transcripts: non-coding transcript variant (2), 5 prime UTR variant (2).
Genome position (GRCh38, 1-based): chr10:73,911,572, C>A. VCF-style: chr10-73911572-C-A. GRCh37 (hg19) VCF-style: chr10-75671330-C-A.
Other names: c.-320C>A (NM_001145031.3); c.-214C>A (NM_001319191.2); short protein forms A6E.
Identifiers: ClinVar variation 300739 (VCV000300739.8), dbSNP rs371106595, ClinGen allele CA5562226.

ClinVar aggregate classification (germline): Conflicting classifications of pathogenicity. Review status: criteria provided, conflicting classifications (1 of 4 stars). 3 submissions from 3 submitters: Uncertain significance (2); Benign (1). Last evaluated 2022-09-29.

Conditions:
Quebec platelet disorder (QPD). Also called: FACTOR V QUEBEC; BLEEDING DISORDER, PLATELET-TYPE, 5. Identifiers: Orphanet 220436, MedGen C1866423, MONDO:0011136, OMIM 601709.
Alzheimer disease type 1 (AD1). Also called: ALZHEIMER DISEASE, FAMILIAL, 1; ALZHEIMER DISEASE, FAMILIAL, 1, AUTOSOMAL RECESSIVE. Identifiers: MedGen C1863052, MONDO:0007088, OMIM 104300.

Allele frequency attached by ClinVar (database versions not stated): gnomAD 0.00001 and 0.00002; gnomAD exomes 0.00001 and 0.00002; ESP Exome Variant Server 0.00008; TOPMed 0.00002; ExAC 0.00003.
gnomAD v4.1: 32 of 1,613,176 alleles (0.002%); highest among the groups gnomAD compares: Non-Finnish European, 0.0027%; no homozygotes.

Submissions (3):

Ambry Genetics
Classification: Uncertain significance. Last evaluated: 2022-09-29. Review status: criteria provided, single submitter. Criteria: Ambry Variant Classification Scheme 2023. Collection method: clinical testing. Allele origin: germline.

Department of Pathology and Laboratory Medicine, Sinai Health System
Classification: Uncertain significance for Alzheimer disease type 1; Quebec platelet disorder. Last evaluated: 2021-07-30. Review status: criteria provided, single submitter. Criteria: ACMG Guidelines, 2015. Collection method: research. Allele origin: germline.

Illumina Laboratory Services, Illumina
Classification: Benign for Quebec platelet disorder. Last evaluated: 2018-01-13. Review status: criteria provided, single submitter. Criteria: ICSL Variant Classification Criteria 13 December 2019. Collection method: clinical testing. Allele origin: germline.
Comment: This variant was observed in the ICSL laboratory as part of a predisposition screen in an ostensibly healthy population. It had not been previously curated by ICSL or reported in the Human Gene Mutation Database (HGMD: prior to June 1st, 2018), and was therefore a candidate for classification through an automated scoring system. Utilizing variant allele frequency, disease prevalence and penetrance estimates, and inheritance mode, an automated score was calculated to assess if this variant is too frequent to cause the disease. Based on the score and internal cut-off values, a variant classified as benign is not then subjected to further curation. The score for this variant resulted in a classification of benign for this disease.